The following is an entry in ClinVar:

ClinVar aggregate classification (germline): Uncertain significance. Review status: criteria provided, multiple submitters, no conflicts (2 of 4 stars). 2 submissions from 2 submitters: Uncertain significance (2). Last evaluated 2025-10-25.

Conditions:
Hypertrophic cardiomyopathy. Also called: HYPERTROPHIC MYOCARDIOPATHY. Identifiers: Orphanet 217569, MedGen C0007194, MeSH D002312, MONDO:0005045, HP:0001639.

Allele frequency attached by ClinVar (database versions not stated): ExAC 0.00001; gnomAD 0.00001; TOPMed 0.00001.

Submissions (2):

Ambry Genetics
Classification: Uncertain significance. Last evaluated: 2025-10-25. Review status: criteria provided, single submitter. Criteria: Ambry Variant Classification Scheme 2023. Collection method: clinical testing. Allele origin: germline.
Comment: The p.V791M variant (also known as c.2371G>A), located in coding exon 15 of the MYOM1 gene, results from a G to A substitution at nucleotide position 2371. The valine at codon 791 is replaced by methionine, an amino acid with highly similar properties. This amino acid position is conserved. In addition, the in silico prediction for this alteration is inconclusive. Since supporting evidence is limited at this time, the clinical significance of this alteration remains unclear.

Labcorp Genetics (formerly Invitae), Labcorp
Classification: Uncertain significance for Hypertrophic cardiomyopathy. Last evaluated: 2023-10-04. Review status: criteria provided, single submitter. Criteria: Invitae Variant Classification Sherloc (09022015). Collection method: clinical testing. Allele origin: germline.
Comment: This sequence change replaces valine, which is neutral and non-polar, with methionine, which is neutral and non-polar, at codon 791 of the MYOM1 protein (p.Val791Met). This variant is present in population databases (rs774778918, gnomAD 0.009%). This variant has not been reported in the literature in individuals affected with MYOM1-related conditions. ClinVar contains an entry for this variant (Variation ID: 2447673). Advanced modeling of protein sequence and biophysical properties (such as structural, functional, and spatial information, amino acid conservation, physicochemical variation, residue mobility, and thermodynamic stability) has been performed at Invitae for this missense variant, however the output from this modeling did not meet the statistical confidence thresholds required to predict the impact of this variant on MYOM1 protein function. In summary, the available evidence is currently insufficient to determine the role of this variant in disease. Therefore, it has been classified as a Variant of Uncertain Significance.

NM_003803.4(MYOM1):c.2371G>A (p.Val791Met)

Gene: MYOM1 (myomesin 1; minus strand). Cytogenetic location: 18p11.31.
Variant type: single nucleotide variant.
Coding change: c.2371G>A on transcript NM_003803.4 (MANE Select); coding-DNA position 2371, G replaced by A.
Protein change: p.Val791Met; replaces valine 791 with methionine.
Molecular consequence: missense variant.
Genome position (GRCh38, 1-based): chr18:3,134,663, C>T on the plus strand (G>A on the coding strand, the complement: MYOM1 is on the minus strand). VCF-style: chr18-3134663-C-T. GRCh37 (hg19) VCF-style: chr18-3134661-C-T.
Other names: c.2371G>A, p.Val791Met (NM_019856.2); short protein forms V791M.
Identifiers: ClinVar variation 2447673 (VCV002447673.6), dbSNP rs774778918, ClinGen allele CA8874672.